The following is an entry in ClinVar:

NM_198129.4(LAMA3):c.6943A>T (p.Arg2315Ter)

Gene: LAMA3 (laminin subunit alpha 3; plus strand). Cytogenetic location: 18q11.2.
Variant type: single nucleotide variant.
Coding change: c.6943A>T on transcript NM_198129.4 (MANE Select); coding-DNA position 6943, A replaced by T.
Protein change: p.Arg2315Ter; replaces arginine 2315 with a stop codon.
Molecular consequence: nonsense.
Genome position (GRCh38, 1-based): chr18:23,907,863, A>T. VCF-style: chr18-23907863-A-T. GRCh37 (hg19) VCF-style: chr18-21487827-A-T.
Other names: c.2116A>T, p.Arg706Ter (NM_000227.6); c.6775A>T, p.Arg2259Ter (NM_001127717.4); c.1948A>T, p.Arg650Ter (NM_001127718.4); short protein forms R2315*, R650*, R706*, R2259*.
Identifiers: ClinVar variation 21264 (VCV000021264.3), dbSNP rs80356679, ClinGen allele CA341811.

ClinVar aggregate classification (germline): Pathogenic (0 of 4 stars; one submission).

Conditions:
Junctional epidermolysis bullosa gravis of Herlitz. Also called: EPIDERMOLYSIS BULLOSA JUNCTIONALIS, HERLITZ TYPE; EPIDERMOLYSIS BULLOSA, JUNCTIONAL, HERLITZ-PEARSON TYPE; EPIDERMOLYSIS BULLOSA, JUNCTIONAL 1B, SEVERE; JEB-HERLITZ TYPE; Herlitz-type junctional epidermolysis bullosa; Epidermolysis Bullosa Letalis. Identifiers: Orphanet 79404, MedGen C0079683, MONDO:0009182, OMIM 226700.

Submission:

GeneReviews
Classification: Pathogenic for Junctional Epidermolysis Bullosa. Last evaluated: 2008-02-22. Review status: no assertion criteria provided. Collection method: curation. Allele origin: unknown.
ClinVar note: Converted during submission from pathologic to Pathogenic.